The following is an entry in ClinVar:

ClinVar aggregate classification (germline): Likely pathogenic (1 of 4 stars; one submission).

Submission:

Clinical Genomics Laboratory, Laboratory for Precision Diagnostics, University of Washington
Classification: Likely pathogenic. Last evaluated: 2024-10-14. Review status: criteria provided, single submitter. Criteria: ACMG/ClinGen CNV Guidelines, 2019. Collection method: clinical testing. Allele origin: unknown. Affected: yes. Observed: 1 variant allele.
Comment: This duplication as detected by our microarray platform is approximately 1.2 Mb in size and encompasses a portion or all of 12 protein-coding genes, including NDE1 and MYH11. It fully encompasses the recurrent microduplication of 16p13.11 between BP2 and BP3. This recurrent 16p13.11 microduplication has been associated with a variety of features when detected through clinical testing. The most frequent include speech and language delay, learning differences or intellectual disability, autism spectrum disorders, and congenital heart defects including aortic dilatation (see PMID:30287593 and PMID: 36724812 for recent reviews). Over 90% of people with the 16p13.11 microduplication have inherited it from a parent, who often has milder or no manifestations (PMID: 36724812). This, along with the presence of this duplication in a database of copy number variants found in healthy control groups (gssvG13873 0.14%; GD_16P13.11__DUP 787 0.09%), is evidence of incomplete penetrance. Penetrance has been estimated at 7-8% (PMID:30287593, PMID: 30767844). Some authors have suggested that this duplication may be a risk factor for neurodevelopmental disorders that requires additional genetic or environmental factors to be expressed.

Literature cited by the submitters: PubMed 30287593; PubMed 36724812; PubMed 30767844.

GRCh38/hg38 16p13.11(chr16:14998921-16217609)x3

Genes: MYH11 (myosin heavy chain 11; minus strand), NDE1 (nudE neurodevelopment protein 1; plus strand), NPIPA5 (nuclear pore complex interacting protein family member A5; minus strand), NTAN1 (N-terminal asparagine amidase), PDXDC1 (pyridoxal dependent decarboxylase domain containing 1) and 31 more. Cytogenetic location: 16p13.11.
Variant type: copy number gain.
Change: copy number 3 (three copies instead of two) of chr16:14,998,921-16,217,609 (1.22 Mb, GRCh38 coordinates, 1-based), cytogenetic band 16p13.11.
Identifiers: ClinVar variation 4974714 (VCV004974714.1).